The following is an entry in ClinVar:

ClinVar aggregate classification (germline): Pathogenic (1 of 4 stars; one submission).

Submission:

Labcorp Genetics (formerly Invitae), Labcorp
Classification: Pathogenic. Last evaluated: 2025-07-20. Review status: criteria provided, single submitter. Criteria: Invitae Variant Classification Sherloc (09022015). Collection method: clinical testing. Allele origin: germline.
Comment: This sequence change creates a premature translational stop signal (p.Met1147Trpfs*21) in the COL4A4 gene. It is expected to result in an absent or disrupted protein product. Loss-of-function variants in COL4A4 are known to be pathogenic (PMID: 21196518, 24854265, 25307543). This variant is present in population databases (no rsID available, gnomAD 0.0009%). This variant has not been reported in the literature in individuals affected with COL4A4-related conditions. ClinVar contains an entry for this variant (Variation ID: 1458220). For these reasons, this variant has been classified as Pathogenic.

Literature cited by the submitters: PubMed 21196518; PubMed 24854265; PubMed 25307543.

NM_000092.5(COL4A4):c.3439del (p.Met1147fs)

Gene: COL4A4 (collagen type IV alpha 4 chain; minus strand). Cytogenetic location: 2q36.3.
Variant type: Deletion.
Coding change: c.3439del on transcript NM_000092.5 (MANE Select); coding-DNA position 3439, one base deleted (A; older notation c.3439delA).
Protein change: p.Met1147fs; shifts the reading frame from methionine 1147.
Molecular consequence: frameshift variant.
Genome position (GRCh38, 1-based): chr2:227,042,214, T deleted on the plus strand (A on the coding strand, the reverse complement: COL4A4 is on the minus strand); the first of 3 consecutive T bases (chr2:227,042,214-227,042,216); deleting any one gives the same sequence. VCF-style (leftmost placement, unchanged base first): chr2-227042213-AT-A. GRCh37 (hg19) VCF-style: chr2-227906929-AT-A.
Other names: short protein forms M1147fs.
Identifiers: ClinVar variation 1458220 (VCV001458220.6), dbSNP rs1559480432, ClinGen allele CA539872208.